The following is an entry in ClinVar:

ClinVar aggregate classification (germline): Conflicting classifications of pathogenicity. Review status: criteria provided, conflicting classifications (1 of 4 stars). 8 submissions from 8 submitters: Uncertain significance (4); Likely benign (1). 3 of the submissions do not count toward it. Last evaluated 2026-02-11.

Conditions:
HFE-related disorder. Also called: HFE-related condition.
Hemochromatosis type 1 (HFE1). Also called: HFE-Associated Hereditary Hemochromatosis; HFE-Related Hemochromatosis. Identifiers: Orphanet 465508, MedGen C3469186, MONDO:0021001, OMIM 235200. Disease mechanism: loss of function.
Hereditary hemochromatosis (HFE). Identifiers: MedGen C0392514, MONDO:0006507. Disease mechanism: loss of function.

Allele frequency attached by ClinVar (database versions not stated): TOPMed 0.00042; ExAC 0.00044; gnomAD exomes 0.00044; ESP Exome Variant Server 0.00085.
gnomAD v4.1: 1,240 of 1,613,906 alleles (0.077%); highest among the groups gnomAD compares: Non-Finnish European, 0.1%; 2 homozygotes.

Submissions (8):

GeneDx
Classification: Uncertain significance. Last evaluated: 2026-02-11. Review status: criteria provided, single submitter. Criteria: GeneDx Variant Classification Process June 2021. Collection method: clinical testing. Allele origin: germline.
Comment: Reported in the compound heterozygous state with HFE p.(H63D); however, the patient also harbored a SLC40A1 variant (PMID: 26151776); In silico analysis suggests that this missense variant does not alter protein structure/function; This variant is associated with the following publications: (PMID: 26151776, 33436952)

Blueprint Genetics
Classification: Likely benign. Last evaluated: 2024-10-21. Review status: criteria provided, single submitter. Criteria: ACMG Guidelines, 2015. Collection method: clinical testing. Allele origin: germline.

Genome-Nilou Lab
Classification: Uncertain significance for Hemochromatosis type 1. Last evaluated: 2023-02-08. Review status: criteria provided, single submitter. Criteria: ACMG Guidelines, 2015. Collection method: clinical testing. Allele origin: germline.

Labcorp Genetics (formerly Invitae), Labcorp
Classification: Uncertain significance for Hereditary hemochromatosis. Last evaluated: 2022-07-20. Review status: criteria provided, single submitter. Criteria: Invitae Variant Classification Sherloc (09022015). Collection method: clinical testing. Allele origin: germline.
Comment: This sequence change replaces threonine, which is neutral and polar, with isoleucine, which is neutral and non-polar, at codon 17 of the HFE protein (p.Thr17Ile). This variant is present in population databases (rs143662783, gnomAD 0.09%), and has an allele count higher than expected for a pathogenic variant. This missense change has been observed in individual(s) with iron overload (PMID: 26151776). ClinVar contains an entry for this variant (Variation ID: 461193). Algorithms developed to predict the effect of missense changes on protein structure and function output the following: SIFT: "Deleterious"; PolyPhen-2: "Possibly Damaging"; Align-GVGD: "Class C0". The isoleucine amino acid residue is found in multiple mammalian species, which suggests that this missense change does not adversely affect protein function. In summary, the available evidence is currently insufficient to determine the role of this variant in disease. Therefore, it has been classified as a Variant of Uncertain Significance.

Illumina Laboratory Services, Illumina
Classification: Uncertain significance for Hemochromatosis type 1. Last evaluated: 2017-04-27. Review status: criteria provided, single submitter. Criteria: ICSL Variant Classification Criteria 13 December 2019. Collection method: clinical testing. Allele origin: germline.

PreventionGenetics, part of Exact Sciences
Classification: Uncertain significance for HFE-related condition. Last evaluated: 2024-09-20. Review status: no assertion criteria provided. Collection method: clinical testing. Allele origin: germline. Not counted in ClinVar's aggregate classification.
Comment: The HFE c.50C>T variant is predicted to result in the amino acid substitution p.Thr17Ile. This variant has been reported in the compound heterozygous state in an individual with iron overload (McDonald et al 2015. PubMed ID: 26151776). This variant is reported in 0.088% of alleles in individuals of European (Non-Finnish) descent in gnomAD. At this time, the clinical significance of this variant is uncertain due to the absence of conclusive functional and genetic evidence.

Clinical Genetics DNA and cytogenetics Diagnostics Lab, Erasmus MC, Erasmus Medical Center
Classification: Likely benign. Review status: no assertion criteria provided. Collection method: clinical testing. Allele origin: germline. Affected: yes. Study: VKGL Data-share Consensus. Not counted in ClinVar's aggregate classification.

Genome Diagnostics Laboratory, Amsterdam University Medical Center
Classification: Likely benign. Review status: no assertion criteria provided. Collection method: clinical testing. Allele origin: germline. Affected: yes. Study: VKGL Data-share Consensus. Not counted in ClinVar's aggregate classification.

Literature cited by the submitters: PubMed 26151776 (cited by Labcorp Genetics (formerly Invitae), Labcorp).

NM_000410.4(HFE):c.50C>T (p.Thr17Ile)

Genes: HFE-AS1 (HFE antisense RNA 1; minus strand), HFE (homeostatic iron regulator; plus strand). Cytogenetic location: 6p22.2.
Variant type: single nucleotide variant.
Coding change: c.50C>T on transcript NM_000410.4 (MANE Select); coding-DNA position 50, C replaced by T.
Protein change: p.Thr17Ile; replaces threonine 17 with isoleucine.
Molecular consequence: missense variant. On other transcripts: non-coding transcript variant (1).
Genome position (GRCh38, 1-based): chr6:26,087,490, C>T. VCF-style: chr6-26087490-C-T. GRCh37 (hg19) VCF-style: chr6-26087718-C-T.
Other names: c.50C>T, p.Thr17Ile (NM_001300749.3, NM_001384164.1, NM_001406751.1 and 9 more transcripts); short protein forms T17I.
Identifiers: ClinVar variation 461193 (VCV000461193.26), dbSNP rs143662783, ClinGen allele CA3666564.